The following is an entry in ClinVar:

ClinVar aggregate classification (germline): Uncertain significance. Review status: criteria provided, multiple submitters, no conflicts (2 of 4 stars). 2 submissions from 2 submitters: Uncertain significance (2). Last evaluated 2025-10-23.

Conditions:
Hereditary cancer-predisposing syndrome. Also called: Hereditary Cancer Syndrome; Hereditary neoplastic syndrome; Neoplastic Syndromes, Hereditary; Tumor predisposition. Identifiers: Orphanet 140162, MedGen C0027672, MeSH D009386, MONDO:0015356.
Tuberous sclerosis 1 (TSC1). Identifiers: Orphanet 805, MedGen C1854465, MONDO:0008612, OMIM 191100.

Submissions (2):

Ambry Genetics
Classification: Uncertain significance for Hereditary cancer-predisposing syndrome. Last evaluated: 2025-10-23. Review status: criteria provided, single submitter. Criteria: Ambry Variant Classification Scheme 2023. Collection method: clinical testing. Allele origin: germline.
Comment: The p.A985V variant (also known as c.2954C>T), located in coding exon 20 of the TSC1 gene, results from a C to T substitution at nucleotide position 2954. The alanine at codon 985 is replaced by valine, an amino acid with similar properties. This amino acid position is conserved. In addition, the in silico prediction for this alteration is inconclusive. Based on the available evidence, the clinical significance of this variant remains unclear.

Labcorp Genetics (formerly Invitae), Labcorp
Classification: Uncertain significance for Tuberous sclerosis 1. Last evaluated: 2023-05-11. Review status: criteria provided, single submitter. Criteria: Invitae Variant Classification Sherloc (09022015). Collection method: clinical testing. Allele origin: germline.
Comment: In summary, the available evidence is currently insufficient to determine the role of this variant in disease. Therefore, it has been classified as a Variant of Uncertain Significance. Advanced modeling of protein sequence and biophysical properties (such as structural, functional, and spatial information, amino acid conservation, physicochemical variation, residue mobility, and thermodynamic stability) performed at Invitae indicates that this missense variant is not expected to disrupt TSC1 protein function. This variant has not been reported in the literature in individuals affected with TSC1-related conditions. This variant is not present in population databases (gnomAD no frequency). This sequence change replaces alanine, which is neutral and non-polar, with valine, which is neutral and non-polar, at codon 985 of the TSC1 protein (p.Ala985Val).

NM_000368.5(TSC1):c.2954C>T (p.Ala985Val)

Gene: TSC1 (TSC complex subunit 1; minus strand). Cytogenetic location: 9q34.13.
Variant type: single nucleotide variant.
Coding change: c.2954C>T on transcript NM_000368.5 (MANE Select); coding-DNA position 2954, C replaced by T.
Protein change: p.Ala985Val; replaces alanine 985 with valine.
Molecular consequence: missense variant. On other transcripts: non-coding transcript variant (5).
Genome position (GRCh38, 1-based): chr9:132,897,205, G>A on the plus strand (C>T on the coding strand, the complement: TSC1 is on the minus strand). VCF-style: chr9-132897205-G-A. GRCh37 (hg19) VCF-style: chr9-135772592-G-A.
Other names: c.2951C>T, p.Ala984Val (NM_001406599.1, NM_001406600.1, NM_001162426.2 and 2 more transcripts); c.2939C>T, p.Ala980Val (NM_001406601.1, NM_001406602.1); c.2936C>T, p.Ala979Val (NM_001406603.1, NM_001406604.1); c.2912C>T, p.Ala971Val (NM_001406605.1, NM_001406606.1, NM_001406607.1); c.2909C>T, p.Ala970Val (NM_001406608.1, NM_001406609.1); c.2591C>T, p.Ala864Val (NM_001406618.1, NM_001406619.1, NM_001362177.2 and 4 more transcripts); c.2588C>T, p.Ala863Val (NM_001406620.1, NM_001406621.1, NM_001406622.1 and 1 more transcripts); c.2549C>T, p.Ala850Val (NM_001406624.1); and 8 more; short protein forms A634V, A864V, A919V, A933V, A971V, A979V, A980V, A984V.
Identifiers: ClinVar variation 2849017 (VCV002849017.4), dbSNP rs2131623544, ClinGen allele CA375368299.